The following is an entry in ClinVar:

ClinVar aggregate classification (germline): Likely pathogenic (1 of 4 stars; one submission).

Submission:

Labcorp Genetics (formerly Invitae), Labcorp
Classification: Likely pathogenic. Last evaluated: 2023-08-18. Review status: criteria provided, single submitter. Criteria: Invitae Variant Classification Sherloc (09022015). Collection method: clinical testing. Allele origin: germline.
Comment: This sequence change affects a donor splice site in intron 2 of the TMPRSS3 gene. It is expected to disrupt RNA splicing. Variants that disrupt the donor or acceptor splice site typically lead to a loss of protein function (PMID: 16199547), and loss-of-function variants in TMPRSS3 are known to be pathogenic (PMID: 16021470, 26969326). This variant is not present in population databases (gnomAD no frequency). This variant has not been reported in the literature in individuals affected with TMPRSS3-related conditions. Algorithms developed to predict the effect of sequence changes on RNA splicing suggest that this variant may disrupt the consensus splice site. In summary, the currently available evidence indicates that the variant is pathogenic, but additional data are needed to prove that conclusively. Therefore, this variant has been classified as Likely Pathogenic.

Literature cited by the submitters: PubMed 16199547; PubMed 16021470; PubMed 26969326.

NM_001256317.3(TMPRSS3):c.94+2T>C

Genes: TMPRSS3 (transmembrane serine protease 3; minus strand), LOC126653388 (BRD4-independent group 4 enhancer GRCh37_chr21:43814254-43815453; plus strand). Cytogenetic location: 21q22.3.
Variant type: single nucleotide variant.
Coding change: c.94+2T>C on transcript NM_001256317.3 (MANE Select); the canonical splice donor site of the intron after coding-DNA position 94, T replaced by C.
Molecular consequence: splice donor variant.
Genome position (GRCh38, 1-based): chr21:42,395,322, A>G on the plus strand (T>C on the coding strand, the complement: TMPRSS3 is on the minus strand). VCF-style: chr21-42395322-A-G. GRCh37 (hg19) VCF-style: chr21-43815431-A-G.
Other names: c.94+2T>C (NM_024022.4, NM_032405.2).
Identifiers: ClinVar variation 2871965 (VCV002871965.3), dbSNP rs2517150648, ClinGen allele CA410376055.